The following is an entry in ClinVar:

ClinVar aggregate classification (germline): Benign/Likely benign. Review status: criteria provided, multiple submitters, no conflicts (2 of 4 stars). 27 submissions from 27 submitters: Benign (17); Likely benign (6). 4 of the submissions do not count toward it. Last evaluated 2026-08-01.

Conditions:
Tuberous sclerosis 2 (TSC2). Identifiers: Orphanet 805, MedGen C1860707, MONDO:0013199, OMIM 613254.
Lymphangiomyomatosis (LAM). Also called: Lymphangioleiomyomatosis; Lymphangioleiomyomatosis, somatic. Identifiers: Orphanet 538, MedGen C0751674, MONDO:0011705, OMIM 606690.
Isolated focal cortical dysplasia type II (FCORD2). Also called: Focal cortical dysplasia type II; CORTICAL DYSPLASIA OF TAYLOR. Identifiers: Orphanet 268994, MedGen C1846385, MONDO:0011818, OMIM 607341, HP:0032051.
Hereditary cancer-predisposing syndrome. Also called: Neoplastic Syndromes, Hereditary; Tumor predisposition; Hereditary Cancer Syndrome; Hereditary neoplastic syndrome. Identifiers: Orphanet 140162, MedGen C0027672, MeSH D009386, MONDO:0015356.
Tuberous sclerosis syndrome (TSC). Also called: Tuberous Sclerosis Complex; Tuberous sclerosis. Identifiers: Orphanet 805, MedGen C0041341, MONDO:0001734.

Allele frequency attached by ClinVar (database versions not stated): ESP Exome Variant Server 0.00046; gnomAD 0.00083 and 0.00111; TOPMed 0.00126; ExAC 0.00362; 1000 Genomes Project 30x 0.00578; 1000 Genomes Project 0.00619.
gnomAD v4.1: 1,722 of 1,582,982 alleles (0.11%); highest among the groups gnomAD compares: East Asian, 1.8%; 16 homozygotes.

Submissions (27):

CeGaT Center for Human Genetics Tuebingen
Classification: Benign. Last evaluated: 2026-08-01. Review status: criteria provided, single submitter. Criteria: CeGaT Center For Human Genetics Tuebingen Variant Classification Criteria Version 2. Collection method: clinical testing. Allele origin: germline. Affected: yes. Observed: 21 variant alleles.
Comment: TSC2: BP4, BS1, BS2

Labcorp Genetics (formerly Invitae), Labcorp
Classification: Benign for Tuberous sclerosis 2. Last evaluated: 2026-02-04. Review status: criteria provided, single submitter. Criteria: Invitae Variant Classification Sherloc (09022015). Collection method: clinical testing. Allele origin: germline.

Myriad Genetics, Inc.
Classification: Benign for Tuberous sclerosis 2. Last evaluated: 2025-05-12. Review status: criteria provided, single submitter. Criteria: Myriad Autosomal Dominant, Autosomal Recessive and X-Linked Classification Criteria (2023). Collection method: clinical testing. Allele origin: unknown.
Comment: This variant is considered benign. This variant has been observed at a population frequency that is significantly greater than expected given the associated disease prevalence and penetrance.

Blueprint Genetics
Classification: Likely benign. Last evaluated: 2024-11-19. Review status: criteria provided, single submitter. Criteria: ACMG Guidelines, 2015. Collection method: clinical testing. Allele origin: germline.

Mayo Clinic Laboratories, Mayo Clinic
Classification: Benign. Last evaluated: 2024-06-17. Review status: criteria provided, single submitter. Criteria: ACMG Guidelines, 2015. Collection method: clinical testing. Allele origin: germline. Observed: 2 variant alleles.
Comment: BS1, BS2, BS3_supporting, BP4

Department of Pathology and Laboratory Medicine, Sinai Health System
Classification: Benign for Lymphangiomyomatosis; Isolated focal cortical dysplasia type II; Tuberous sclerosis 2. Last evaluated: 2023-09-29. Review status: criteria provided, single submitter. Criteria: ACMG Guidelines, 2015. Collection method: clinical testing. Allele origin: germline. Affected: yes.

Quest Diagnostics Nichols Institute San Juan Capistrano
Classification: Benign. Last evaluated: 2023-08-17. Review status: criteria provided, single submitter. Criteria: Quest Diagnostics criteria. Collection method: clinical testing. Allele origin: unknown.

KCCC/NGS Laboratory, Kuwait Cancer Control Center
Classification: Benign for Tuberous sclerosis 2. Last evaluated: 2023-07-07. Review status: criteria provided, single submitter. Criteria: ACMG Guidelines, 2015. Collection method: clinical testing. Allele origin: germline. Affected: yes.

Women's Health and Genetics/Laboratory Corporation of America, LabCorp
Classification: Likely benign. Last evaluated: 2021-11-30. Review status: criteria provided, single submitter. Criteria: LabCorp Variant Classification Summary - May 2015. Collection method: clinical testing. Allele origin: germline.

Genome-Nilou Lab
Classification: Benign for Tuberous sclerosis 2. Last evaluated: 2021-11-07. Review status: criteria provided, single submitter. Criteria: ACMG Guidelines, 2015. Collection method: clinical testing. Allele origin: germline. Affected: no.

Fulgent Genetics
Classification: Likely benign for Lymphangiomyomatosis; Isolated focal cortical dysplasia type II; Tuberous sclerosis 2. Last evaluated: 2021-07-26. Review status: criteria provided, single submitter. Criteria: ACMG Guidelines, 2015. Collection method: clinical testing. Allele origin: unknown.

Genetic Services Laboratory, University of Chicago
Classification: Benign. Last evaluated: 2021-02-26. Review status: criteria provided, single submitter. Criteria: ACMG Guidelines, 2015. Collection method: clinical testing. Allele origin: germline. Affected: no.

Sema4
Classification: Benign for Hereditary cancer-predisposing syndrome. Last evaluated: 2020-10-23. Review status: criteria provided, single submitter. Criteria: Sema4 Curation Guidelines. Collection method: curation. Allele origin: germline.

Division of Genomic Medicine, Department of Advanced Medicine, Medical Research Institute, Kanazawa Medical University
Classification: Likely benign for Tuberous sclerosis 2. Last evaluated: 2020-07-10. Review status: criteria provided, single submitter. Criteria: ACMG Guidelines, 2015. Collection method: clinical testing. Allele origin: germline. Affected: yes. Observed: 2 variant alleles.

ARUP Laboratories, Molecular Genetics and Genomics, ARUP Laboratories
Classification: Benign. Last evaluated: 2020-07-02. Review status: criteria provided, single submitter. Criteria: ARUP Molecular Germline Variant Investigation Process. Collection method: clinical testing. Allele origin: germline.

Athena Diagnostics
Classification: Benign. Last evaluated: 2018-03-30. Review status: criteria provided, single submitter. Criteria: Athena Diagnostics Criteria. Collection method: clinical testing. Allele origin: germline.

Illumina Laboratory Services, Illumina
Classification: Likely benign for Tuberous sclerosis syndrome. Last evaluated: 2018-03-14. Review status: criteria provided, single submitter. Criteria: ICSL Variant Classification Criteria 13 December 2019. Collection method: clinical testing. Allele origin: germline.
Comment: This variant was observed as part of a predisposition screen in an ostensibly healthy population. A literature search was performed for the gene, cDNA change, and amino acid change (where applicable). No publications were found based on this search. Allele frequency data from public databases allowed determination this variant is unlikely to cause disease. Therefore, this variant is classified as likely benign.

Color Diagnostics, LLC DBA Color Health
Classification: Benign for Tuberous sclerosis syndrome. Last evaluated: 2018-03-05. Review status: criteria provided, single submitter. Criteria: ACMG Guidelines, 2015. Collection method: clinical testing. Allele origin: germline.

Ambry Genetics
Classification: Benign for Hereditary cancer-predisposing syndrome. Last evaluated: 2014-12-25. Review status: criteria provided, single submitter. Criteria: Ambry Variant Classification Scheme 2023. Collection method: clinical testing. Allele origin: germline.

GeneDx
Classification: Benign. Last evaluated: 2013-04-11. Review status: criteria provided, single submitter. Criteria: GeneDx Variant Classification (06012015). Collection method: clinical testing. Allele origin: germline. Affected: yes.
Comment: This variant is considered likely benign or benign based on one or more of the following criteria: it is a conservative change, it occurs at a poorly conserved position in the protein, it is predicted to be benign by multiple in silico algorithms, and/or has population frequency not consistent with disease.

Laboratory for Molecular Medicine, Mass General Brigham Personalized Medicine
Classification: Benign. Last evaluated: 2013-02-21. Review status: criteria provided, single submitter. Criteria: LMM Criteria. Collection method: clinical testing. Allele origin: germline. Observed: 1 variant allele.
Comment: Met286Val in exon 10 of TSC2: This variant is not expected to have clinical sign ificance because it has been identified in 4.5% (8/178) of Japanese chromosomes from a broad population by the 1000 Genomes Project (/projects/SNP; dbSNP rs1800748).

Breakthrough Genomics
Classification: Likely benign. Review status: criteria provided, single submitter. Criteria: ACMG Guidelines, 2015. Collection method: not provided. Allele origin: germline. Inheritance: Autosomal dominant inheritance. Affected: yes.

PreventionGenetics, part of Exact Sciences
Classification: Benign. Review status: criteria provided, single submitter. Criteria: ACMG Guidelines, 2015. Collection method: clinical testing. Allele origin: germline.

ITMI
No classification provided. Condition: AllHighlyPenetrant. Last evaluated: 2013-09-19. Review status: no classification provided. Collection method: reference population. Allele origin: germline. Not counted in ClinVar's aggregate classification.
Comment: Please see associated publication for description of ethnicities

Clinical Genetics DNA and cytogenetics Diagnostics Lab, Erasmus MC, Erasmus Medical Center
Classification: Benign. Review status: no assertion criteria provided. Collection method: clinical testing. Allele origin: germline. Affected: yes. Study: VKGL Data-share Consensus. Not counted in ClinVar's aggregate classification.

Clinical Genetics, Academic Medical Center
Classification: Benign. Review status: no assertion criteria provided. Collection method: clinical testing. Allele origin: germline. Affected: yes. Study: VKGL Data-share Consensus. Not counted in ClinVar's aggregate classification.

Tuberous sclerosis database (TSC2)
No classification provided. Condition: TSC. Review status: no classification provided. Criteria: Tuberous Sclerosis Database Assertion Criteria 2015. Collection method: curation. Allele origin: germline. Affected: yes and no. Not counted in ClinVar's aggregate classification.

Literature cited by the submitters: PubMed 32555378 (cited by Mayo Clinic Laboratories, Mayo Clinic); PubMed 28087349 (cited by Quest Diagnostics Nichols Institute San Juan Capistrano and Athena Diagnostics); PubMed 11741833 (cited by Quest Diagnostics Nichols Institute San Juan Capistrano and Athena Diagnostics); PubMed 10205261 (cited by Quest Diagnostics Nichols Institute San Juan Capistrano and Athena Diagnostics); PubMed 27493206 (cited by Quest Diagnostics Nichols Institute San Juan Capistrano and Athena Diagnostics); PubMed 25338684 (cited by Quest Diagnostics Nichols Institute San Juan Capistrano and Athena Diagnostics); PubMed 29271092 (cited by Quest Diagnostics Nichols Institute San Juan Capistrano and Athena Diagnostics); PubMed 16129702 (cited by Quest Diagnostics Nichols Institute San Juan Capistrano and Athena Diagnostics); PubMed 16981987 (cited by Quest Diagnostics Nichols Institute San Juan Capistrano and Athena Diagnostics); PubMed 29344138 (cited by Quest Diagnostics Nichols Institute San Juan Capistrano and Athena Diagnostics); PubMed 24728327 (cited by ITMI).

NM_000548.5(TSC2):c.856A>G (p.Met286Val)

Gene: TSC2 (TSC complex subunit 2; plus strand). Cytogenetic location: 16p13.3.
Variant type: single nucleotide variant.
Coding change: c.856A>G on transcript NM_000548.5 (MANE Select); coding-DNA position 856, A replaced by G.
Protein change: p.Met286Val; replaces methionine 286 with valine.
Molecular consequence: missense variant.
Genome position (GRCh38, 1-based): chr16:2,058,754, A>G. VCF-style: chr16-2058754-A-G. GRCh37 (hg19) VCF-style: chr16-2108755-A-G.
Other names: p.M286V:ATG>GTG; c.856A>G (NM_000548.4); c.856A>G, p.Met286Val (NM_001077183.3, NM_001114382.3, NM_001363528.2 and 3 more transcripts); c.745A>G, p.Met249Val (NM_001318827.2); c.709A>G, p.Met237Val (NM_001318829.2); c.256A>G, p.Met86Val (NM_001318831.2); c.889A>G, p.Met297Val (NM_001318832.2); short protein forms M286V, M249V, M86V, M297V, M237V.
Identifiers: ClinVar variation 50009 (VCV000050009.72), dbSNP rs1800748, ClinGen allele CA023055.